The following is an entry in ClinVar:

NM_024312.5(GNPTAB):c.3406C>T (p.Gln1136Ter)

Gene: GNPTAB (N-acetylglucosamine-1-phosphate transferase subunits alpha and beta; minus strand). Cytogenetic location: 12q23.2.
Variant type: single nucleotide variant.
Coding change: c.3406C>T on transcript NM_024312.5 (MANE Select); coding-DNA position 3406, C replaced by T.
Protein change: p.Gln1136Ter; replaces glutamine 1136 with a stop codon.
Molecular consequence: nonsense.
Genome position (GRCh38, 1-based): chr12:101,757,240, G>A on the plus strand (C>T on the coding strand, the complement: GNPTAB is on the minus strand). VCF-style: chr12-101757240-G-A. GRCh37 (hg19) VCF-style: chr12-102151018-G-A.
Other names: short protein forms Q1136*.
Identifiers: ClinVar variation 5012451 (VCV005012451.1).

ClinVar aggregate classification (germline): Pathogenic (1 of 4 stars; one submission).

Conditions:
GNPTAB-mucolipidosis. Also called: UDP-N-acetylglucosamine-1-phosphotransferase subunit alpha/beta deficiency. Identifiers: MedGen CN322573, MONDO:0100122.

Submission:

Myriad Genetics, Inc.
Classification: Pathogenic for GNPTAB-mucolipidosis. Last evaluated: 2023-11-02. Review status: criteria provided, single submitter. Criteria: Myriad Autosomal Dominant, Autosomal Recessive and X-Linked Classification Criteria (2023). Collection method: clinical testing. Allele origin: unknown.
Comment: NM_024312.4(GNPTAB):c.3406C>T(Q1136*) is expected to be pathogenic in the context of GNPTAB-related disorders. This variant is predicted to lead to an abnormal or absent protein product due to the creation of a premature termination codon in GNPTAB, a gene where loss-of-function variants are known to be pathogenic. Please note: this variant was assessed in the context of healthy population screening.